The following is an entry in ClinVar:

NM_001273.5(CHD4):c.5044G>A (p.Asp1682Asn)

Genes: CHD4 (chromodomain helicase DNA binding protein 4; minus strand), CHD4-AS1 (CHD4 antisense RNA 1; plus strand). Cytogenetic location: 12p13.31.
Variant type: single nucleotide variant.
Coding change: c.5044G>A on transcript NM_001273.5 (MANE Select); coding-DNA position 5044, G replaced by A.
Protein change: p.Asp1682Asn; replaces aspartic acid 1682 with asparagine.
Molecular consequence: missense variant.
Genome position (GRCh38, 1-based): chr12:6,578,484, C>T on the plus strand (G>A on the coding strand, the complement: CHD4 is on the minus strand). VCF-style: chr12-6578484-C-T. GRCh37 (hg19) VCF-style: chr12-6687650-C-T.
Other names: c.5023G>A, p.Asp1675Asn (NM_001297553.2); c.5011G>A, p.Asp1671Asn (NM_001363606.2); short protein forms D1671N, D1675N, D1682N.
Identifiers: ClinVar variation 2692439 (VCV002692439.1), dbSNP rs997909423, ClinGen allele CA232385761.

ClinVar aggregate classification (germline): Uncertain significance (1 of 4 stars; one submission).

Allele frequency attached by ClinVar (database versions not stated): TOPMed 0.00001.

Submission:

Greenwood Genetic Center Diagnostic Laboratories, Greenwood Genetic Center
Classification: Uncertain significance. Last evaluated: 2023-10-04. Review status: criteria provided, single submitter. Criteria: ACMG Guidelines, 2015. Collection method: clinical testing. Allele origin: germline. Affected: yes.
Comment: PM2, PP2